The following is an entry in ClinVar:

ClinVar aggregate classification (germline): Uncertain significance (1 of 4 stars; one submission).

Allele frequency attached by ClinVar (database versions not stated): gnomAD exomes below 0.00001; gnomAD 0.00001; TOPMed 0.00001; 1000 Genomes Project 30x 0.00016; 1000 Genomes Project 0.00020.
gnomAD v4.1: 5 of 1,613,992 alleles (0.00031%); highest among the groups gnomAD compares: Non-Finnish European, 0.00042%; no homozygotes.

Submission:

GeneDx
Classification: Uncertain significance. Last evaluated: 2022-05-23. Review status: criteria provided, single submitter. Criteria: GeneDx Variant Classification Process June 2021. Collection method: clinical testing. Allele origin: germline. Affected: yes.
Comment: Not observed at significant frequency in large population cohorts (gnomAD); In silico analysis, which includes protein predictors and evolutionary conservation, supports a deleterious effect; Reported in a patient with late-onset Bartter syndrome in published literature (Li et al., 2019); This variant is associated with the following publications: (PMID: 31441846)

NM_153766.3(KCNJ1):c.644C>T (p.Thr215Ile)

Gene: KCNJ1 (potassium inwardly rectifying channel subfamily J member 1; minus strand). Cytogenetic location: 11q24.3.
Variant type: single nucleotide variant.
Coding change: c.644C>T on transcript NM_153766.3 (MANE Select); coding-DNA position 644, C replaced by T.
Protein change: p.Thr215Ile; replaces threonine 215 with isoleucine.
Molecular consequence: missense variant.
Genome position (GRCh38, 1-based): chr11:128,839,600, G>A on the plus strand (C>T on the coding strand, the complement: KCNJ1 is on the minus strand). VCF-style: chr11-128839600-G-A. GRCh37 (hg19) VCF-style: chr11-128709495-G-A.
Other names: c.701C>T, p.Thr234Ile (NM_000220.6); c.644C>T, p.Thr215Ile (NM_153764.3, NM_153767.4); c.695C>T, p.Thr232Ile (NM_153765.3); short protein forms T215I, T232I, T234I.
Identifiers: ClinVar variation 1306000 (VCV001306000.3), dbSNP rs547139736, ClinGen allele CA230628331.
Genomic context (GRCh38, chr11:128,839,600, plus strand): 5'-TCAACTACAAAGTTGATATTGATCTGGTCCAAAATAATGGTCTCTCCTTCAGGAGTGACT[G>A]TGGTCTTCAGAAGCTTTCCATAAATGTGACTGCCAATAAGAAGGCTCTTCCTGAGATTAG-3'
Protein context (NP_722450.1, residues 205-225): SHIYGKLLKT[Thr215Ile]VTPEGETIIL